The following is an entry in ClinVar:

ClinVar aggregate classification (germline): Uncertain significance. Review status: criteria provided, multiple submitters, no conflicts (2 of 4 stars). 5 submissions from 5 submitters: Uncertain significance (4). 1 of the submissions does not count toward it. Last evaluated 2025-11-19.

Conditions:
MYO7A-related disorder. Also called: MYO7A-related disorders.
Usher syndrome type 1B (USH1B). Also called: Usher syndrome type IB. Identifiers: MedGen C1848638, MONDO:0700087.

Allele frequency attached by ClinVar (database versions not stated): ExAC below 0.00001; gnomAD exomes below 0.00001 and 0.00002; gnomAD 0.00001; TOPMed 0.00003; ESP Exome Variant Server 0.00008.
gnomAD v4.1: 39 of 1,608,032 alleles (0.0024%); highest among the groups gnomAD compares: Non-Finnish European, 0.003%; no homozygotes.

Submissions (5):

PreventionGenetics, part of Exact Sciences
Classification: Uncertain significance for MYO7A-related condition. Last evaluated: 2025-11-19. Review status: criteria provided, single submitter. Criteria: ACMG Guidelines, 2015. Collection method: clinical testing. Allele origin: germline.
Comment: The MYO7A c.4285G>A variant is predicted to result in the amino acid substitution p.Glu1429Lys. To our knowledge, this variant has not been reported in the literature. This variant is reported in 0.00081% of alleles in individuals of European (Non-Finnish) descent in gnomAD. At this time, the clinical significance of this variant is uncertain due to the absence of conclusive functional and genetic evidence.

GeneDx
Classification: Uncertain significance. Last evaluated: 2025-02-06. Review status: criteria provided, single submitter. Criteria: GeneDx Variant Classification Process June 2021. Collection method: clinical testing. Allele origin: germline. Affected: yes.
Comment: Not observed at significant frequency in large population cohorts (gnomAD); In silico analysis supports that this missense variant has a deleterious effect on protein structure/function; Has not been previously published as pathogenic or benign to our knowledge

Blueprint Genetics
Classification: Uncertain significance. Last evaluated: 2023-06-21. Review status: criteria provided, single submitter. Criteria: ACMG Guidelines, 2015. Collection method: clinical testing. Allele origin: germline.

Labcorp Genetics (formerly Invitae), Labcorp
Classification: Uncertain significance. Last evaluated: 2021-08-30. Review status: criteria provided, single submitter. Criteria: Invitae Variant Classification Sherloc (09022015). Collection method: clinical testing. Allele origin: germline.
Comment: This sequence change replaces glutamic acid with lysine at codon 1429 of the MYO7A protein (p.Glu1429Lys). The glutamic acid residue is highly conserved and there is a small physicochemical difference between glutamic acid and lysine. The frequency data for this variant in the population databases is considered unreliable, as metrics indicate poor data quality at this position in the ExAC database. This variant has not been reported in the literature in individuals affected with MYO7A-related conditions. Algorithms developed to predict the effect of missense changes on protein structure and function (SIFT, PolyPhen-2, Align-GVGD) all suggest that this variant is likely to be disruptive. In summary, the available evidence is currently insufficient to determine the role of this variant in disease. Therefore, it has been classified as a Variant of Uncertain Significance.

Natera, Inc.
Classification: Uncertain significance for Usher syndrome type 1B. Last evaluated: 2020-03-17. Review status: no assertion criteria provided. Collection method: clinical testing. Allele origin: germline. Not counted in ClinVar's aggregate classification.

NM_000260.4(MYO7A):c.4285G>A (p.Glu1429Lys)

Gene: MYO7A (myosin VIIA; plus strand). Cytogenetic location: 11q13.5.
Variant type: single nucleotide variant.
Coding change: c.4285G>A on transcript NM_000260.4 (MANE Select); coding-DNA position 4285, G replaced by A.
Protein change: p.Glu1429Lys; replaces glutamic acid 1429 with lysine.
Molecular consequence: missense variant.
Genome position (GRCh38, 1-based): chr11:77,194,486, G>A. VCF-style: chr11-77194486-G-A. GRCh37 (hg19) VCF-style: chr11-76905531-G-A.
Other names: c.4285G>A, p.Glu1429Lys (NM_001127180.2); c.4252G>A, p.Glu1418Lys (NM_001369365.1); short protein forms E1429K, E1418K.
Identifiers: ClinVar variation 968451 (VCV000968451.8), dbSNP rs374171831, ClinGen allele CA6198398.
Genomic context (GRCh38, chr11:77,194,486, plus strand): 5'-CTCCTGAACCTCGTGCCCACCTACATCCCCGACCGCGAGATCACGCCCCTGAAGACGCTG[G>A]AGAAGTGGGCCCAGCTGGCCATCGCCGCCCACAAGAAGGTAGAAGGGCTGAGAGGAGTCC-3'
Protein context (NP_000251.3, residues 1419-1439): DREITPLKTL[Glu1429Lys]KWAQLAIAAH